The following is an entry in ClinVar:

ClinVar aggregate classification (germline): Conflicting classifications of pathogenicity. Review status: criteria provided, conflicting classifications (1 of 4 stars). 2 submissions from 2 submitters: Uncertain significance (1); Likely benign (1). Last evaluated 2026-01-06.

Conditions:
Hereditary hemorrhagic telangiectasia (HHT). Also called: ORW DISEASE; Osler Weber Rendu syndrome; OSLER-RENDU-WEBER DISEASE; Osler hemorrhagic telangiectasia syndrome. Identifiers: Orphanet 774, MedGen C0039445, MONDO:0019180. Disease mechanism: loss of function.
Cardiovascular phenotype. Identifiers: MedGen CN230736.

Allele frequency attached by ClinVar (database versions not stated): gnomAD 0.00001 and 0.00002; gnomAD exomes 0.00001 and 0.00002; TOPMed 0.00002.
gnomAD v4.1: 24 of 1,614,132 alleles (0.0015%); highest among the groups gnomAD compares: East Asian, 0.0022%; no homozygotes.

Submissions (2):

Ambry Genetics
Classification: Uncertain significance for Cardiovascular phenotype. Last evaluated: 2026-01-06. Review status: criteria provided, single submitter. Criteria: Ambry Variant Classification Scheme 2023. Collection method: clinical testing. Allele origin: germline.
Comment: The p.V54M variant (also known as c.160G>A), located in coding exon 2 of the ENG gene, results from a G to A substitution at nucleotide position 160. The valine at codon 54 is replaced by methionine, an amino acid with highly similar properties. This amino acid position is conserved. In addition, this alteration is predicted to be tolerated by in silico analysis. Based on the available evidence, the clinical significance of this variant remains unclear.

Labcorp Genetics (formerly Invitae), Labcorp
Classification: Likely benign for Hereditary hemorrhagic telangiectasia. Last evaluated: 2025-10-27. Review status: criteria provided, single submitter. Criteria: Invitae Variant Classification Sherloc (09022015). Collection method: clinical testing. Allele origin: germline.

NM_001114753.3(ENG):c.160G>A (p.Val54Met)

Gene: ENG (endoglin; minus strand). Cytogenetic location: 9q34.11.
Variant type: single nucleotide variant.
Coding change: c.160G>A on transcript NM_001114753.3 (MANE Select); coding-DNA position 160, G replaced by A.
Protein change: p.Val54Met; replaces valine 54 with methionine.
Molecular consequence: missense variant. On other transcripts: 5 prime UTR variant (1).
Genome position (GRCh38, 1-based): chr9:127,843,153, C>T on the plus strand (G>A on the coding strand, the complement: ENG is on the minus strand). VCF-style: chr9-127843153-C-T. GRCh37 (hg19) VCF-style: chr9-130605432-C-T.
Other names: c.160G>A, p.Val54Met (NM_000118.4, NM_001406715.1); c.-387G>A (NM_001278138.2); c.160G>A (NM_001114753.1); short protein forms V54M.
Identifiers: ClinVar variation 856850 (VCV000856850.12), dbSNP rs923794879, ClinGen allele CA200320699.